The following is an entry in ClinVar:

ClinVar aggregate classification (germline): Uncertain significance (1 of 4 stars; one submission).

Conditions:
Hereditary breast ovarian cancer syndrome. Also called: Hereditary breast and ovarian cancer syndrome (HBOC); Breast and ovarian cancer; BRCA1- and BRCA2-Associated Hereditary Breast and Ovarian Cancer; Hereditary breast and ovarian cancer syndrome; Hereditary breast and ovarian cancer; Hereditary breast and/or ovarian cancer syndrome. Identifiers: Orphanet 145, MedGen C0677776, MeSH D061325, MONDO:0003582. Disease mechanism: loss of function.

Submission:

Labcorp Genetics (formerly Invitae), Labcorp
Classification: Uncertain significance for Hereditary breast ovarian cancer syndrome. Last evaluated: 2023-03-09. Review status: criteria provided, single submitter. Criteria: Invitae Variant Classification Sherloc (09022015). Collection method: clinical testing. Allele origin: germline.
Comment: In summary, the available evidence is currently insufficient to determine the role of this variant in disease. Therefore, it has been classified as a Variant of Uncertain Significance. Advanced modeling of protein sequence and biophysical properties (such as structural, functional, and spatial information, amino acid conservation, physicochemical variation, residue mobility, and thermodynamic stability) performed at Invitae indicates that this missense variant is not expected to disrupt BRCA2 protein function. This variant has not been reported in the literature in individuals affected with BRCA2-related conditions. This variant is not present in population databases (gnomAD no frequency). This sequence change replaces glutamine, which is neutral and polar, with arginine, which is basic and polar, at codon 3247 of the BRCA2 protein (p.Gln3247Arg).

NM_000059.4(BRCA2):c.9740A>G (p.Gln3247Arg)

Gene: BRCA2 (BRCA2 DNA repair associated; plus strand). Cytogenetic location: 13q13.1.
Variant type: single nucleotide variant.
Coding change: c.9740A>G on transcript NM_000059.4 (MANE Select); coding-DNA position 9740, A replaced by G.
Protein change: p.Gln3247Arg; replaces glutamine 3247 with arginine.
Molecular consequence: missense variant. On other transcripts: non-coding transcript variant (1).
Genome position (GRCh38, 1-based): chr13:32,398,253, A>G. VCF-style: chr13-32398253-A-G. GRCh37 (hg19) VCF-style: chr13-32972390-A-G.
Other names: c.9644A>G, p.Gln3215Arg (NM_001406719.1); c.9689A>G, p.Gln3230Arg (NM_001406720.1); c.4808A>G, p.Gln1603Arg (NM_001406721.1); c.3323A>G, p.Gln1108Arg (NM_001406722.1); short protein forms Q3230R, Q3215R, Q1108R, Q1603R, Q3247R.
Identifiers: ClinVar variation 2844415 (VCV002844415.3), dbSNP rs2137663378, ClinGen allele CA387765586.